The following is an entry in ClinVar:

NM_017635.5(KMT5B):c.1303T>C (p.Ser435Pro)

Gene: KMT5B (lysine methyltransferase 5B; minus strand). Cytogenetic location: 11q13.2.
Variant type: single nucleotide variant.
Coding change: c.1303T>C on transcript NM_017635.5 (MANE Select); coding-DNA position 1303, T replaced by C.
Protein change: p.Ser435Pro; replaces serine 435 with proline.
Molecular consequence: missense variant.
Genome position (GRCh38, 1-based): chr11:68,159,043, A>G on the plus strand (T>C on the coding strand, the complement: KMT5B is on the minus strand). VCF-style: chr11-68159043-A-G. GRCh37 (hg19) VCF-style: chr11-67926510-A-G.
Other names: c.787T>C, p.Ser263Pro (NM_001300907.1, NM_001369428.1, NM_001369429.1 and 4 more transcripts); c.583T>C, p.Ser195Pro (NM_001300908.2); c.1303T>C, p.Ser435Pro (NM_001369426.1); short protein forms S195P, S263P, S435P.
Identifiers: ClinVar variation 3360655 (VCV003360655.1).
Genomic context (GRCh38, chr11:68,159,043, plus strand): 5'-TCAATTTTATCTTTGAAAGTAAAGGCTTTGCAGGCTTCTTCAGTTTCTTTGGTACCCTGG[A>G]ATTATTTATATGAGTTAGCTTAGATGAGGTAGAGTTGGAAGAAGCTGGAATTCTTGACAT-3'
Protein context (NP_060105.3, residues 425-445): TSSKLTHINN[Ser435Pro]RVPKKLKKPA

ClinVar aggregate classification (germline): Uncertain significance (1 of 4 stars; one submission).

gnomAD v4.1: 2 of 1,612,768 alleles (0.00012%); highest among the groups gnomAD compares: Non-Finnish European, 0.00017%; no homozygotes.

Submission:

GeneDx
Classification: Uncertain significance. Last evaluated: 2023-07-04. Review status: criteria provided, single submitter. Criteria: GeneDx Variant Classification Process June 2021. Collection method: clinical testing. Allele origin: germline. Affected: yes.
Comment: Not observed at significant frequency in large population cohorts (gnomAD); In silico analysis supports that this missense variant does not alter protein structure/function; Has not been previously published as pathogenic or benign to our knowledge